The following is an entry in ClinVar:

ClinVar aggregate classification (germline): Uncertain significance. Review status: criteria provided, multiple submitters, no conflicts (2 of 4 stars). 3 submissions from 3 submitters: Uncertain significance (3). Last evaluated 2025-06-30.

Conditions:
Inborn genetic diseases. Identifiers: MedGen C0950123, MeSH D030342.
Combined immunodeficiency due to LRBA deficiency. Also called: Common variable immunodeficiency 8, with autoimmunity. Identifiers: Orphanet 445018, MedGen C3553512, MONDO:0013863, OMIM 614700.

Allele frequency attached by ClinVar (database versions not stated): ExAC 0.00004; gnomAD exomes 0.00005 and 0.00007; gnomAD 0.00006 and 0.00007; TOPMed 0.00006; ESP Exome Variant Server 0.00008.
gnomAD v4.1: 81 of 1,613,578 alleles (0.005%); highest among the groups gnomAD compares: Non-Finnish European, 0.0037%; no homozygotes.

Submissions (3):

Ambry Genetics
Classification: Uncertain significance for Inborn genetic diseases. Last evaluated: 2025-06-30. Review status: criteria provided, single submitter. Criteria: Ambry Variant Classification Scheme 2023. Collection method: clinical testing. Allele origin: germline.

CeGaT Center for Human Genetics Tuebingen
Classification: Uncertain significance. Last evaluated: 2022-07-01. Review status: criteria provided, single submitter. Criteria: CeGaT Center For Human Genetics Tuebingen Variant Classification Criteria Version 2. Collection method: clinical testing. Allele origin: germline. Affected: yes. Observed: 1 variant allele.
Comment: LRBA: PP3

Labcorp Genetics (formerly Invitae), Labcorp
Classification: Uncertain significance for Combined immunodeficiency due to LRBA deficiency. Last evaluated: 2022-03-20. Review status: criteria provided, single submitter. Criteria: Invitae Variant Classification Sherloc (09022015). Collection method: clinical testing. Allele origin: germline.
Comment: This sequence change replaces glutamic acid, which is acidic and polar, with lysine, which is basic and polar, at codon 888 of the LRBA protein (p.Glu888Lys). This variant is present in population databases (rs200640538, gnomAD 0.1%). This variant has not been reported in the literature in individuals affected with LRBA-related conditions. ClinVar contains an entry for this variant (Variation ID: 966624). Algorithms developed to predict the effect of missense changes on protein structure and function are either unavailable or do not agree on the potential impact of this missense change (SIFT: "Deleterious"; PolyPhen-2: "Probably Damaging"; Align-GVGD: "Class C0"). In summary, the available evidence is currently insufficient to determine the role of this variant in disease. Therefore, it has been classified as a Variant of Uncertain Significance.

NM_001364905.1(LRBA):c.2662G>A (p.Glu888Lys)

Gene: LRBA (LPS responsive beige-like anchor protein; minus strand). Cytogenetic location: 4q31.3.
Variant type: single nucleotide variant.
Coding change: c.2662G>A on transcript NM_001364905.1 (MANE Select); coding-DNA position 2662, G replaced by A.
Protein change: p.Glu888Lys; replaces glutamic acid 888 with lysine.
Molecular consequence: missense variant.
Genome position (GRCh38, 1-based): chr4:150,867,775, C>T on the plus strand (G>A on the coding strand, the complement: LRBA is on the minus strand). VCF-style: chr4-150867775-C-T. GRCh37 (hg19) VCF-style: chr4-151788927-C-T.
Other names: c.2662G>A, p.Glu888Lys (NM_001199282.3, NM_001367550.1, NM_006726.5); short protein forms E888K.
Identifiers: ClinVar variation 966624 (VCV000966624.33), dbSNP rs200640538, ClinGen allele CA3103176.